The following is an entry in ClinVar:

ClinVar aggregate classification (germline): Uncertain significance. Review status: criteria provided, multiple submitters, no conflicts (2 of 4 stars). 3 submissions from 3 submitters: Uncertain significance (3). Last evaluated 2026-05-15.

Conditions:
Hereditary cancer-predisposing syndrome. Also called: Tumor predisposition; Hereditary Cancer Syndrome; Neoplastic Syndromes, Hereditary; Hereditary neoplastic syndrome. Identifiers: Orphanet 140162, MedGen C0027672, MeSH D009386, MONDO:0015356.
Ataxia-telangiectasia syndrome (AT). Also called: LOUIS-BAR SYNDROME; Ataxia-telangiectasia, complementation group E; Cerebello-oculocutaneous telangiectasia; Immunodeficiency with ataxia telangiectasia; Ataxia-telangiectasia, complementation group D; AT, COMPLEMENTATION GROUP C. Identifiers: Orphanet 100, MedGen C0004135, MONDO:0008840, OMIM 208900.

Submissions (3):

Ambry Genetics
Classification: Uncertain significance for Hereditary cancer-predisposing syndrome. Last evaluated: 2026-05-15. Review status: criteria provided, single submitter. Criteria: Ambry Variant Classification Scheme 2023. Collection method: clinical testing. Allele origin: germline.
Comment: The p.R1859G variant (also known as c.5575A>G), located in coding exon 36 of the ATM gene, results from an A to G substitution at nucleotide position 5575. The arginine at codon 1859 is replaced by glycine, an amino acid with dissimilar properties. This amino acid position is highly conserved in available vertebrate species. In addition, the in silico prediction for this alteration is inconclusive. Based on the available evidence, the clinical significance of this variant remains unclear.

Color Diagnostics, LLC DBA Color Health
Classification: Uncertain significance for Hereditary cancer-predisposing syndrome. Last evaluated: 2023-12-05. Review status: criteria provided, single submitter. Criteria: ACMG Guidelines, 2015. Collection method: clinical testing. Allele origin: germline.
Comment: This missense variant replaces arginine with glycine at codon 1859 of the ATM protein. Computational prediction suggests that this variant may not impact protein structure and function (internally defined REVEL score threshold <= 0.5, PMID: 27666373). To our knowledge, functional studies have not been reported for this variant. This variant has not been reported in individuals affected with ATM-related disorders in the literature. This variant has not been identified in the general population by the Genome Aggregation Database (gnomAD). The available evidence is insufficient to determine the role of this variant in disease conclusively. Therefore, this variant is classified as a Variant of Uncertain Significance.

Labcorp Genetics (formerly Invitae), Labcorp
Classification: Uncertain significance for Ataxia-telangiectasia syndrome. Last evaluated: 2023-12-03. Review status: criteria provided, single submitter. Criteria: Invitae Variant Classification Sherloc (09022015). Collection method: clinical testing. Allele origin: germline.
Comment: This sequence change replaces arginine, which is basic and polar, with glycine, which is neutral and non-polar, at codon 1859 of the ATM protein (p.Arg1859Gly). This variant is not present in population databases (gnomAD no frequency). This variant has not been reported in the literature in individuals affected with ATM-related conditions. ClinVar contains an entry for this variant (Variation ID: 631180). An algorithm developed to predict the effect of missense changes on protein structure and function (PolyPhen-2) suggests that this variant is likely to be tolerated. In summary, the available evidence is currently insufficient to determine the role of this variant in disease. Therefore, it has been classified as a Variant of Uncertain Significance.

Literature cited by the submitters: PubMed 40580951 (cited by Ambry Genetics).

NM_000051.4(ATM):c.5575A>G (p.Arg1859Gly)

Gene: ATM (ATM serine/threonine kinase; plus strand). Cytogenetic location: 11q22.3.
Variant type: single nucleotide variant.
Coding change: c.5575A>G on transcript NM_000051.4 (MANE Select); coding-DNA position 5575, A replaced by G.
Protein change: p.Arg1859Gly; replaces arginine 1859 with glycine.
Molecular consequence: missense variant.
Genome position (GRCh38, 1-based): chr11:108,304,753, A>G. VCF-style: chr11-108304753-A-G. GRCh37 (hg19) VCF-style: chr11-108175480-A-G.
Other names: c.5575A>G, p.Arg1859Gly (NM_001351834.2); short protein forms R1859G.
Identifiers: ClinVar variation 631180 (VCV000631180.8), dbSNP rs1565481925, ClinGen allele CA382546104.